The following is an entry in ClinVar:

NM_015374.3(SUN2):c.1886T>C (p.Val629Ala)

Genes: SUN2 (Sad1 and UNC84 domain containing 2; minus strand), GTPBP1 (GTP binding protein 1; plus strand). Cytogenetic location: 22q13.1.
Variant type: single nucleotide variant.
Coding change: c.1886T>C on transcript NM_015374.3 (MANE Select); coding-DNA position 1886, T replaced by C.
Protein change: p.Val629Ala; replaces valine 629 with alanine.
Molecular consequence: missense variant.
Genome position (GRCh38, 1-based): chr22:38,738,648, A>G on the plus strand (T>C on the coding strand, the complement: SUN2 is on the minus strand). VCF-style: chr22-38738648-A-G. GRCh37 (hg19) VCF-style: chr22-39134653-A-G.
Other names: c.1949T>C, p.Val650Ala (NM_001199579.2); c.1886T>C, p.Val629Ala (NM_001199580.2); short protein forms V629A, V650A.
Identifiers: ClinVar variation 956397 (VCV000956397.9), dbSNP rs2092828049, ClinGen allele CA411583326.

ClinVar aggregate classification (germline): Uncertain significance (1 of 4 stars; one submission).

Conditions:
Emery-Dreifuss muscular dystrophy (EDMD). Also called: Scapuloperoneal syndrome, X-linked (formerly); Humeroperoneal neuromuscular disease, (formerly). Identifiers: Orphanet 261, MedGen C0410189, MONDO:0016830.

Submission:

Labcorp Genetics (formerly Invitae), Labcorp
Classification: Uncertain significance for Emery-Dreifuss muscular dystrophy. Last evaluated: 2019-08-11. Review status: criteria provided, single submitter. Criteria: Invitae Variant Classification Sherloc (09022015). Collection method: clinical testing. Allele origin: germline.
Comment: This sequence change replaces valine with alanine at codon 629 of the SUN2 protein (p.Val629Ala). The valine residue is moderately conserved and there is a small physicochemical difference between valine and alanine. This variant is not present in population databases (ExAC no frequency). This variant has not been reported in the literature in individuals with SUN2-related conditions. Algorithms developed to predict the effect of missense changes on protein structure and function (SIFT, PolyPhen-2, Align-GVGD) all suggest that this variant is likely to be disruptive, but these predictions have not been confirmed by published functional studies and their clinical significance is uncertain. In summary, the available evidence is currently insufficient to determine the role of this variant in disease. Therefore, it has been classified as a Variant of Uncertain Significance.